The following is an entry in ClinVar:

NM_001111125.3(IQSEC2):c.3730C>T (p.His1244Tyr)

Gene: IQSEC2 (IQ motif and Sec7 domain ArfGEF 2; minus strand). Cytogenetic location: Xp11.22.
Variant type: single nucleotide variant.
Coding change: c.3730C>T on transcript NM_001111125.3 (MANE Select); coding-DNA position 3730, C replaced by T.
Protein change: p.His1244Tyr; replaces histidine 1244 with tyrosine.
Molecular consequence: missense variant. On other transcripts: 3 prime UTR variant (1).
Genome position (GRCh38, 1-based): chrX:53,234,956, G>A on the plus strand (C>T on the coding strand, the complement: IQSEC2 is on the minus strand). VCF-style: chrX-53234956-G-A. GRCh37 (hg19) VCF-style: chrX-53264138-G-A.
Other names: c.*215C>T (NM_015075.2); short protein forms H1244Y.
Identifiers: ClinVar variation 538598 (VCV000538598.17), dbSNP rs1290683569, ClinGen allele CA413141178.

ClinVar aggregate classification (germline): Benign/Likely benign. Review status: criteria provided, multiple submitters, no conflicts (2 of 4 stars). 2 submissions from 2 submitters: Benign (1); Likely benign (1). Last evaluated 2026-03-01.

Conditions:
Intellectual developmental disorder, X-linked 1. Also called: MENTAL RETARDATION, X-LINKED 18; MENTAL RETARDATION, X-LINKED 78; Intellectual disability, X-linked 1; Atkin Flaitz Patil Smith syndrome. Identifiers: Orphanet 777, MedGen C2931498, MONDO:0010656, OMIM 309530.

Allele frequency attached by ClinVar (database versions not stated): gnomAD exomes 0.00001; TOPMed 0.00003; gnomAD 0.00002.
gnomAD v4.1: 14 of 1,165,715 alleles (0.0012%); highest among the groups gnomAD compares: African/African-American, 0.0036%; no homozygotes.

Submissions (2):

CeGaT Center for Human Genetics Tuebingen
Classification: Likely benign. Last evaluated: 2026-03-01. Review status: criteria provided, single submitter. Criteria: CeGaT Center For Human Genetics Tuebingen Variant Classification Criteria Version 2. Collection method: clinical testing. Allele origin: germline. Affected: yes. Observed: 1 variant allele.
Comment: IQSEC2: PP2, BS2

Labcorp Genetics (formerly Invitae), Labcorp
Classification: Benign for Intellectual developmental disorder, X-linked 1. Last evaluated: 2024-12-28. Review status: criteria provided, single submitter. Criteria: Invitae Variant Classification Sherloc (09022015). Collection method: clinical testing. Allele origin: germline.